The following is an entry in ClinVar:

ClinVar aggregate classification (germline): Uncertain significance (1 of 4 stars; one submission).

Submission:

GeneDx
Classification: Uncertain significance. Last evaluated: 2024-05-22. Review status: criteria provided, single submitter. Criteria: GeneDx Variant Classification Process June 2021. Collection method: clinical testing. Allele origin: germline. Affected: yes.
Comment: Not observed at significant frequency in large population cohorts (gnomAD); In silico analysis supports that this missense variant has a deleterious effect on protein structure/function; Has not been previously published as pathogenic or benign to our knowledge

NM_005121.3(MED13):c.5660C>T (p.Ser1887Phe)

Gene: MED13 (mediator complex subunit 13; minus strand). Cytogenetic location: 17q23.2.
Variant type: single nucleotide variant.
Coding change: c.5660C>T on transcript NM_005121.3 (MANE Select); coding-DNA position 5660, C replaced by T.
Protein change: p.Ser1887Phe; replaces serine 1887 with phenylalanine.
Molecular consequence: missense variant.
Genome position (GRCh38, 1-based): chr17:61,955,802, G>A on the plus strand (C>T on the coding strand, the complement: MED13 is on the minus strand). VCF-style: chr17-61955802-G-A. GRCh37 (hg19) VCF-style: chr17-60033163-G-A.
Other names: short protein forms S1887F.
Identifiers: ClinVar variation 3381568 (VCV003381568.1).